The following is an entry in ClinVar:

NM_014000.3(VCL):c.529G>C (p.Glu177Gln)

Gene: VCL (vinculin; plus strand). Cytogenetic location: 10q22.2.
Variant type: single nucleotide variant.
Coding change: c.529G>C on transcript NM_014000.3 (MANE Select); coding-DNA position 529, G replaced by C.
Protein change: p.Glu177Gln; replaces glutamic acid 177 with glutamine.
Molecular consequence: missense variant.
Genome position (GRCh38, 1-based): chr10:74,072,759, G>C. VCF-style: chr10-74072759-G-C. GRCh37 (hg19) VCF-style: chr10-75832517-G-C.
Other names: c.529G>C, p.Glu177Gln (NM_003373.4); short protein forms E177Q.
Identifiers: ClinVar variation 5031688 (VCV005031688.1).

ClinVar aggregate classification (germline): Uncertain significance (1 of 4 stars; one submission).

Conditions:
Cardiovascular phenotype. Identifiers: MedGen CN230736.

Submission:

Ambry Genetics
Classification: Uncertain significance for Cardiovascular phenotype. Last evaluated: 2026-08-18. Review status: criteria provided, single submitter. Criteria: Ambry Variant Classification Scheme 2023. Collection method: clinical testing. Allele origin: germline.
Comment: The p.E177Q variant (also known as c.529G>C), located in coding exon 5 of the VCL gene, results from a G to C substitution at nucleotide position 529. The glutamic acid at codon 177 is replaced by glutamine, an amino acid with highly similar properties. This amino acid position is highly conserved in available vertebrate species. In addition, this alteration is predicted to be tolerated by in silico analysis. Based on the available evidence, the clinical significance of this variant remains unclear.